The following is an entry in ClinVar:

ClinVar aggregate classification (germline): Likely pathogenic (1 of 4 stars; one submission).

Conditions:
Alsahan-Harris syndrome. Identifiers: MedGen C6065900, MONDO:0979871, OMIM 621307.
Retinitis pigmentosa 100. Identifiers: MedGen C6012755, MONDO:0979574, OMIM 621280.
Orofaciodigital syndrome IX. Also called: OFDS IX; ORAL-FACIAL-DIGITAL SYNDROME WITH RETINAL ABNORMALITIES; ORAL-FACIAL-DIGITAL SYNDROME, TYPE IX; OROFACIODIGITAL SYNDROME WITH RETINAL ABNORMALITIES. Identifiers: Orphanet 141007, MedGen C0796102, MONDO:0009795, OMIM 258865.

Submission:

Juno Genomics, Hangzhou Juno Genomics, Inc
Classification: Likely pathogenic for Alsahan-Harris syndrome; Orofaciodigital syndrome IX; Retinitis pigmentosa 100. Review status: criteria provided, single submitter. Criteria: ACMG Guidelines, 2015. Collection method: clinical testing. Allele origin: germline.
Comment: Absent from controls (or at extremely low frequency if recessive) in Genome Aggregation Database.;Null variant in a gene where loss of function (LOF) is a known mechanism of disease.

NM_152730.6(TBC1D32):c.3002dup (p.Asn1002fs)

Gene: TBC1D32 (TBC1 domain family member 32; minus strand). Cytogenetic location: 6q22.31.
Variant type: Duplication.
Coding change: c.3002dup on transcript NM_152730.6 (MANE Select); coding-DNA position 3002, one base duplicated (A; older notation c.3002dupA).
Protein change: p.Asn1002fs; shifts the reading frame from asparagine 1002.
Molecular consequence: frameshift variant. On other transcripts: non-coding transcript variant (1).
Genome position (GRCh38, 1-based): chr6:121,115,223, T duplicated on the plus strand (A on the coding strand, the reverse complement: TBC1D32 is on the minus strand); the first of 2 consecutive T bases (chr6:121,115,223-121,115,224); duplicating either gives the same sequence. VCF-style (leftmost placement, unchanged base first): chr6-121115222-C-CT. GRCh37 (hg19) VCF-style: chr6-121436368-C-CT.
Other names: c.3125dup, p.Asn1043fs (NM_001367759.1, NM_001367760.1); short protein forms N1002fs, N1043fs.
Identifiers: ClinVar variation 5019613 (VCV005019613.2).
Genomic context (GRCh38, chr6:121,115,222, plus strand): 5'-TATAATATACCTGACAGTCATTTTAATGCCAAGCTGCTGCACAGATGAAAGACTTTCATT[C>CT]TTCACATTTGCATCAGTAGCTAAAGACAACAGAAAACTGAGTTATAAAGTGCAGAAAAGT-3'